The following is an entry in ClinVar:

ClinVar aggregate classification (germline): Likely benign (1 of 4 stars; one submission).

Submission:

CeGaT Center for Human Genetics Tuebingen
Classification: Likely benign. Last evaluated: 2022-10-01. Review status: criteria provided, single submitter. Criteria: CeGaT Center For Human Genetics Tuebingen Variant Classification Criteria Version 2. Collection method: clinical testing. Allele origin: germline. Affected: yes. Observed: 1 variant allele.
Comment: SHANK3: PM2:Supporting, BP4, BP7

NM_001372044.2(SHANK3):c.2967G>A (p.Pro989=)

Gene: SHANK3 (SH3 and multiple ankyrin repeat domains 3; plus strand). Cytogenetic location: 22q13.33.
Variant type: single nucleotide variant.
Coding change: c.2967G>A on transcript NM_001372044.2 (MANE Select); coding-DNA position 2967, G replaced by A.
Protein change: p.Pro989=; no amino-acid change (proline 989 retained).
Molecular consequence: synonymous variant.
Genome position (GRCh38, 1-based): chr22:50,720,575, G>A. VCF-style: chr22-50720575-G-A. GRCh37 (hg19) VCF-style: chr22-51159003-G-A.
Other names: c.2742G>A, p.Pro914= (NM_033517.1).
Identifiers: ClinVar variation 2653421 (VCV002653421.24), dbSNP rs2083275644, ClinGen allele CA515259668.
Genomic context (GRCh38, chr22:50,720,575, plus strand): 5'-CCTGCAGGACTCGGCGCCCGAGTCGGGCGACGCCCCTCGACCCCCGCCCGCGGCCACCCC[G>A]CCCGAGCGACCCAAGCGCCGGCCGCGGCCGCCCGGCCCCGACAGCCCCTACGCCAACCTG-3'
Protein context (NP_001358973.1, residues 979-999): DAPRPPPAAT[Pro989=]PERPKRRPRP